The following is an entry in ClinVar:

ClinVar aggregate classification (germline): Uncertain significance (1 of 4 stars; one submission).

Conditions:
Cardiovascular phenotype. Identifiers: MedGen CN230736.

Allele frequency attached by ClinVar (database versions not stated): TOPMed below 0.00001; ESP Exome Variant Server 0.00008.
gnomAD v4.1: 13 of 1,613,100 alleles (0.00081%); highest among the groups gnomAD compares: Non-Finnish European, 0.001%; no homozygotes.

Submission:

Ambry Genetics
Classification: Uncertain significance for Cardiovascular phenotype. Last evaluated: 2019-08-26. Review status: criteria provided, single submitter. Criteria: Ambry Variant Classification Scheme 2023. Collection method: clinical testing. Allele origin: germline.
Comment: The p.G11093C variant (also known as c.33277G>T), located in coding exon 131 of the TTN gene, results from a G to T substitution at nucleotide position 33277. The glycine at codon 11093 is replaced by cysteine, an amino acid with highly dissimilar properties. This amino acid position is highly conserved in available vertebrate species. In addition, the in silico prediction for this alteration is inconclusive. Since supporting evidence is limited at this time, the clinical significance of this alteration remains unclear.

NM_001267550.2(TTN):c.60472G>T (p.Gly20158Cys)

Genes: TTN (titin; minus strand), TTN-AS1 (TTN antisense RNA 1; plus strand). Cytogenetic location: 2q31.2.
Variant type: single nucleotide variant.
Coding change: c.60472G>T on transcript NM_001267550.2 (MANE Select); coding-DNA position 60472, G replaced by T.
Protein change: p.Gly20158Cys; replaces glycine 20158 with cysteine.
Molecular consequence: missense variant. On other transcripts: non-coding transcript variant (1).
Genome position (GRCh38, 1-based): chr2:178,591,253, C>A on the plus strand (G>T on the coding strand, the complement: TTN is on the minus strand). VCF-style: chr2-178591253-C-A. GRCh37 (hg19) VCF-style: chr2-179455980-C-A.
Other names: c.55549G>T, p.Gly18517Cys (NM_001256850.1); c.33277G>T, p.Gly11093Cys (NM_003319.4); c.52768G>T, p.Gly17590Cys (NM_133378.4); c.33652G>T, p.Gly11218Cys (NM_133432.3); c.33853G>T, p.Gly11285Cys (NM_133437.4); short protein forms G11093C, G11218C, G11285C, G17590C, G18517C, G20158C.
Identifiers: ClinVar variation 1730258 (VCV001730258.2), dbSNP rs375009570, ClinGen allele CA1992486.
Genomic context (GRCh38, chr2:178,591,253, plus strand): 5'-GACCTGTTGGTGGCCCAGGAACATCAAGAACAGTAAGATGTACGGCTACTGTTTTGCTAC[C>A]GGCTGCATTGGAAACTGTGATTTGATATTCCCCAGTGTCTCTCCTTAAGCAGTTCTTAAT-3'
Protein context (NP_001254479.2, residues 20148-20168): EYQITVSNAA[Gly20158Cys]SKTVAVHLTV